The following is an entry in ClinVar:

ClinVar aggregate classification (germline): Likely pathogenic (1 of 4 stars; one submission).

Submission:

Labcorp Genetics (formerly Invitae), Labcorp
Classification: Likely pathogenic. Last evaluated: 2024-05-26. Review status: criteria provided, single submitter. Criteria: Invitae Variant Classification Sherloc (09022015). Collection method: clinical testing. Allele origin: germline.
Comment: This sequence change affects a donor splice site in intron 24 of the CARMIL2 gene. It is expected to disrupt RNA splicing. Variants that disrupt the donor or acceptor splice site typically lead to a loss of protein function (PMID: 16199547), and loss-of-function variants in CARMIL2 are known to be pathogenic (PMID: 27647349, 28112205). This variant is not present in population databases (gnomAD no frequency). This variant has not been reported in the literature in individuals affected with CARMIL2-related conditions. Algorithms developed to predict the effect of sequence changes on RNA splicing suggest that this variant may disrupt the consensus splice site. In summary, the currently available evidence indicates that the variant is pathogenic, but additional data are needed to prove that conclusively. Therefore, this variant has been classified as Likely Pathogenic.

Literature cited by the submitters: PubMed 16199547; PubMed 27647349; PubMed 28112205.

NM_001013838.3(CARMIL2):c.2427+1G>A

Gene: CARMIL2 (capping protein regulator and myosin 1 linker 2; plus strand). Cytogenetic location: 16q22.1.
Variant type: single nucleotide variant.
Coding change: c.2427+1G>A on transcript NM_001013838.3 (MANE Select); the canonical splice donor site of the intron after coding-DNA position 2427, G replaced by A.
Molecular consequence: splice donor variant.
Genome position (GRCh38, 1-based): chr16:67,651,515, G>A. VCF-style: chr16-67651515-G-A. GRCh37 (hg19) VCF-style: chr16-67685418-G-A.
Other names: c.2319+1G>A (NM_001317026.3).
Identifiers: ClinVar variation 3654693 (VCV003654693.2).